The following is an entry in ClinVar:

NM_020693.4(DSCAML1):c.5760C>T (p.Cys1920=)

Gene: DSCAML1 (DS cell adhesion molecule like 1; minus strand). Cytogenetic location: 11q23.3.
Variant type: single nucleotide variant.
Coding change: c.5760C>T on transcript NM_020693.4 (MANE Select); coding-DNA position 5760, C replaced by T.
Protein change: p.Cys1920=; no amino-acid change (cysteine 1920 retained).
Molecular consequence: synonymous variant.
Genome position (GRCh38, 1-based): chr11:117,428,730, G>A on the plus strand (C>T on the coding strand, the complement: DSCAML1 is on the minus strand). VCF-style: chr11-117428730-G-A. GRCh37 (hg19) VCF-style: chr11-117299446-G-A.
Other names: c.5940C>T (NM_020693.3).
Identifiers: ClinVar variation 1601740 (VCV001601740.11), dbSNP rs76827288, ClinGen allele CA6295976.
Genomic context (GRCh38, chr11:117,428,730, plus strand): 5'-CTGGGTGTGGTAGGTTCGAGCCAGGTTCCGGATGGAGGCCTCACGGGGTGGGACCACGGG[G>A]CAGGGCTCACGTCCATCTGCCTTTCGAAAGAAGGCCTCTGACTTGGCATACAGGGGCAGG-3'
Protein context (NP_065744.3, residues 1910-1930): FFRKADGREP[Cys1920=]PVVPPREASI

ClinVar aggregate classification (germline): Benign. Review status: criteria provided, multiple submitters, no conflicts (2 of 4 stars). 3 submissions from 3 submitters: Benign (2). 1 of the submissions does not count toward it. Last evaluated 2026-02-03.

Conditions:
DSCAML1-related disorder. Also called: DSCAML1-related condition.

Allele frequency attached by ClinVar (database versions not stated): gnomAD exomes 0.00271 and 0.00686; ExAC 0.01028; gnomAD 0.02991 and 0.03191; TOPMed 0.03371; ESP Exome Variant Server 0.03132; 1000 Genomes Project 0.03355; 1000 Genomes Project 30x 0.03482.
gnomAD v4.1: 8,728 of 1,613,094 alleles (0.54%); highest among the groups gnomAD compares: African/African-American, 10%; 405 homozygotes.

Submissions (3):

Labcorp Genetics (formerly Invitae), Labcorp
Classification: Benign. Last evaluated: 2026-02-03. Review status: criteria provided, single submitter. Criteria: Invitae Variant Classification Sherloc (09022015). Collection method: clinical testing. Allele origin: germline.

Breakthrough Genomics
Classification: Benign. Review status: criteria provided, single submitter. Criteria: ACMG Guidelines, 2015. Collection method: not provided. Allele origin: germline. Inheritance: Unknown mechanism. Affected: yes.

PreventionGenetics, part of Exact Sciences
Classification: Benign for DSCAML1-related condition. Last evaluated: 2024-04-22. Review status: no assertion criteria provided. Collection method: clinical testing. Allele origin: germline. Not counted in ClinVar's aggregate classification.
Comment: This variant is classified as benign based on ACMG/AMP sequence variant interpretation guidelines (Richards et al. 2015 PMID: 25741868, with internal and published modifications).